The following is an entry in ClinVar:

ClinVar aggregate classification (germline): Uncertain significance. Review status: reviewed by expert panel (3 of 4 stars). 3 submissions from 3 submitters: Uncertain significance (1). 2 of the submissions do not count toward it. Last evaluated 2025-09-29.

Conditions:
AIPL1-related retinopathy. Also called: AIPL1 retinopathy. Identifiers: MedGen CN305590, MONDO:0100438.
Leber congenital amaurosis (LCA). Also called: Leber's amaurosis. Identifiers: Orphanet 65, MedGen C0339527, MeSH D057130, MONDO:0018998.

Submissions (3):

ClinGen Leber Congenital Amaurosis/early Onset Retinal Dystrophy Variant Curation Expert Panel, ClinGen
Classification: Uncertain significance for AIPL1-related retinopathy. Last evaluated: 2025-09-29. Review status: reviewed by expert panel. Criteria: ClinGen LCAeoRD ACMG Specifications AIPL1 V1.0.0. Collection method: curation. Allele origin: germline. Inheritance: Autosomal recessive inheritance.
Comment: NM_014336.5(AIPL1):c.815G>C (p.Arg272Pro) is a missense variant predicted to replace arginine with proline at amino acid p.272. This variant is absent from gnomAD v4.1.0 (PM2_Supporting). This variant has been reported in at least 1 proband with early-onset severe retinal dystrophy who was compound heterozygous with the NM_014336.4:c.(?_-1)_(276+1_277-1)del variant suspected in trans (0.25 points, PMID: 30718709), which was previously classified likely pathogenic by the ClinGen LCA/eoRD VCEP. The variant has also been reported in a second proband with early-onset severe retinal dystrophy who was heterozygous with no second AIPL1 variant identified in trans (PMID: 26626312). At least one proband harboring this variant exhibits a phenotype including diagnosis of Leber congenital amaurosis (0.5 pts) with genotyping by next-generation sequencing panel targeting more than 150 inherited retinal disease-associated genes (2 pts), which together are not sufficiently specific for AIPL1-related retinopathy to meet PP4 (total 2.5 points, PMID: 30718709). The computational predictor REVEL gives a score of 0.692, which is above the ClinGen LCA/eoRD VCEP threshold of ≥0.644 and predicts a damaging effect on AIPL1 protein function (PP3). The splicing impact predictor SpliceAI gives a score of 0.02 for acceptor gain, which is below the ClinGen LCA/eoRD VCEP recommended threshold of ≥0.2 and does not strongly predict an impact on splicing. In summary, this variant meets the criteria to be classified as a variant of uncertain significance for AIPL1-related retinopathy based on the ACMG/AMP criteria applied, as specified by the ClinGen LCA/eoRD VCEP: PM2_Supporting and PP3. (VCEP specifications version 1.0.0; date of approval 09/24/2025).

Women's Health and Genetics/Laboratory Corporation of America, LabCorp
Classification: Uncertain significance. Last evaluated: 2025-01-07. Review status: criteria provided, single submitter. Criteria: LabCorp Variant Classification Summary - May 2015. Collection method: clinical testing. Allele origin: germline. Not counted in ClinVar's aggregate classification.
Comment: Variant summary: AIPL1 c.815G>C (p.Arg272Pro) results in a non-conservative amino acid change located in the Tetratricopeptide repeats domain (IPR019734) of the encoded protein sequence. Five of five in-silico tools predict a damaging effect of the variant on protein function. The variant was absent in 241446 control chromosomes. The available data on variant occurrences in the general population are insufficient to allow any conclusion about variant significance. c.815G>C has been reported in the literature in the heterozygous state in at least one individual affected with Leber Congenital Amaurosis (Astuti_2016). These report(s) do not provide unequivocal conclusions about association of the variant with Leber Congenital Amaurosis. To our knowledge, no experimental evidence demonstrating an impact on protein function has been reported. The following publication have been ascertained in the context of this evaluation (PMID: 26626312). ClinVar contains an entry for this variant (Variation ID: 635995). Based on the evidence outlined above, the variant was classified as uncertain significance.

Department of Clinical Genetics, Copenhagen University Hospital, Rigshospitalet
Classification: Pathogenic for Leber congenital amaurosis. Last evaluated: 2018-04-01. Review status: no assertion criteria provided. Collection method: research. Allele origin: unknown. Affected: yes. Study: VeluxRD. Not counted in ClinVar's aggregate classification.

Literature cited by the submitters: PubMed 26626312 (cited by Women's Health and Genetics/Laboratory Corporation of America, LabCorp); PubMed 30718709 (cited by Department of Clinical Genetics, Copenhagen University Hospital, Rigshospitalet).

NM_014336.5(AIPL1):c.815G>C (p.Arg272Pro)

Gene: AIPL1 (AIP like 1 HSP90 co-chaperone; minus strand). Cytogenetic location: 17p13.2.
Variant type: single nucleotide variant.
Coding change: c.815G>C on transcript NM_014336.5 (MANE Select); coding-DNA position 815, G replaced by C.
Protein change: p.Arg272Pro; replaces arginine 272 with proline.
Molecular consequence: missense variant. On other transcripts: 3 prime UTR variant (1).
Genome position (GRCh38, 1-based): chr17:6,425,800, C>G on the plus strand (G>C on the coding strand, the complement: AIPL1 is on the minus strand). VCF-style: chr17-6425800-C-G. GRCh37 (hg19) VCF-style: chr17-6329120-C-G.
Other names: NM_014336.5(AIPL1):c.815G>C; p.Arg272Pro; c.626G>C, p.Arg209Pro (NM_001033054.3); c.635G>C, p.Arg212Pro (NM_001033055.3); c.779G>C, p.Arg260Pro (NM_001285399.3); c.749G>C, p.Arg250Pro (NM_001285400.3); c.743G>C, p.Arg248Pro (NM_001285401.3); c.698G>C, p.Arg233Pro (NM_001285402.2); and 1 more; short protein forms R272P, R250P, R260P, R248P, R209P, R212P, R233P.
Identifiers: ClinVar variation 635995 (VCV000635995.4), dbSNP rs1284009768, ClinGen allele CA397394869.